The following is an entry in ClinVar:

ClinVar aggregate classification (germline): Uncertain significance. Review status: criteria provided, multiple submitters, no conflicts (2 of 4 stars). 2 submissions from 2 submitters: Uncertain significance (2). Last evaluated 2026-04-17.

Conditions:
Familial sleep-related hypermotor epilepsy. Also called: Autosomal Dominant Sleep-Related Hypermotor (Hyperkinetic) Epilepsy. Identifiers: Orphanet 98784, MedGen C3696898, MONDO:0000030.

Allele frequency attached by ClinVar (database versions not stated): gnomAD exomes below 0.00001.
gnomAD v4.1: 1 of 1,614,160 alleles (0.000062%); highest among the groups gnomAD compares: Admixed American, 0.0017%; no homozygotes.

Submissions (2):

GeneDx
Classification: Uncertain significance. Last evaluated: 2026-04-17. Review status: criteria provided, single submitter. Criteria: GeneDx Variant Classification Process June 2021. Collection method: clinical testing. Allele origin: germline.
Comment: Not observed at significant frequency in large population cohorts (gnomAD); In silico analysis suggests that this missense variant does not alter protein structure/function; Has not been previously published as pathogenic or benign to our knowledge; In silico analysis suggests this variant may impact gene splicing. In the absence of RNA/functional studies, the actual effect of this sequence change is unknown.

Labcorp Genetics (formerly Invitae), Labcorp
Classification: Uncertain significance. Last evaluated: 2023-11-04. Review status: criteria provided, single submitter. Criteria: Invitae Variant Classification Sherloc (09022015). Collection method: clinical testing. Allele origin: germline.
Comment: This sequence change replaces serine, which is neutral and polar, with asparagine, which is neutral and polar, at codon 500 of the CHRNB2 protein (p.Ser500Asn). This variant is present in population databases (no rsID available, gnomAD 0.003%). This variant has not been reported in the literature in individuals affected with CHRNB2-related conditions. Advanced modeling of protein sequence and biophysical properties (such as structural, functional, and spatial information, amino acid conservation, physicochemical variation, residue mobility, and thermodynamic stability) performed at Invitae indicates that this missense variant is not expected to disrupt CHRNB2 protein function with a negative predictive value of 95%. In summary, the available evidence is currently insufficient to determine the role of this variant in disease. Therefore, it has been classified as a Variant of Uncertain Significance.

NM_000748.3(CHRNB2):c.1499G>A (p.Ser500Asn)

Gene: CHRNB2 (cholinergic receptor nicotinic beta 2 subunit; plus strand). Cytogenetic location: 1q21.3.
Variant type: single nucleotide variant.
Coding change: c.1499G>A on transcript NM_000748.3 (MANE Select); coding-DNA position 1499, G replaced by A.
Protein change: p.Ser500Asn; replaces serine 500 with asparagine.
Molecular consequence: missense variant.
Genome position (GRCh38, 1-based): chr1:154,575,922, G>A. VCF-style: chr1-154575922-G-A. GRCh37 (hg19) VCF-style: chr1-154548398-G-A.
Other names: c.1499G>A (NM_000748.2); short protein forms S500N.
Identifiers: ClinVar variation 2745412 (VCV002745412.5), dbSNP rs1355061956, ClinGen allele CA342633389.